The following is an entry in ClinVar:

ClinVar aggregate classification (germline): Uncertain significance (1 of 4 stars; one submission).

Submission:

GeneDx
Classification: Uncertain significance. Last evaluated: 2025-05-23. Review status: criteria provided, single submitter. Criteria: GeneDx Variant Classification Process June 2021. Collection method: clinical testing. Allele origin: germline. Affected: yes.
Comment: Not observed at significant frequency in large population cohorts (gnomAD); In silico analysis suggests that this missense variant does not alter protein structure/function; Has not been previously published as pathogenic or benign to our knowledge

NM_001046.3(SLC12A2):c.311C>G (p.Ala104Gly)

Gene: SLC12A2 (solute carrier family 12 member 2; plus strand). Cytogenetic location: 5q23.3.
Variant type: single nucleotide variant.
Coding change: c.311C>G on transcript NM_001046.3 (MANE Select); coding-DNA position 311, C replaced by G.
Protein change: p.Ala104Gly; replaces alanine 104 with glycine.
Molecular consequence: missense variant. On other transcripts: non-coding transcript variant (1).
Genome position (GRCh38, 1-based): chr5:128,084,265, C>G. VCF-style: chr5-128084265-C-G. GRCh37 (hg19) VCF-style: chr5-127419957-C-G.
Other names: c.311C>G, p.Ala104Gly (NM_001256461.2); short protein forms A104G.
Identifiers: ClinVar variation 4532359 (VCV004532359.1).